The following is an entry in ClinVar:

NM_030786.3(SYNC):c.787C>T (p.Arg263Cys)

Gene: SYNC (syncoilin, intermediate filament protein; minus strand). Cytogenetic location: 1p35.1.
Variant type: single nucleotide variant.
Coding change: c.787C>T on transcript NM_030786.3 (MANE Select); coding-DNA position 787, C replaced by T.
Protein change: p.Arg263Cys; replaces arginine 263 with cysteine.
Molecular consequence: missense variant.
Genome position (GRCh38, 1-based): chr1:32,695,311, G>A on the plus strand (C>T on the coding strand, the complement: SYNC is on the minus strand). VCF-style: chr1-32695311-G-A. GRCh37 (hg19) VCF-style: chr1-33160912-G-A.
Other names: c.787C>T, p.Arg263Cys (NM_001161708.2); short protein forms R263C.
Identifiers: ClinVar variation 3770462 (VCV003770462.13).

ClinVar aggregate classification (germline): Likely benign (1 of 4 stars; one submission).

Submission:

CeGaT Center for Human Genetics Tuebingen
Classification: Likely benign. Last evaluated: 2024-12-01. Review status: criteria provided, single submitter. Criteria: CeGaT Center For Human Genetics Tuebingen Variant Classification Criteria Version 2. Collection method: clinical testing. Allele origin: germline. Affected: yes. Observed: 1 variant allele.
Comment: SYNC: BS2